The following is an entry in ClinVar:

ClinVar aggregate classification (germline): Pathogenic (1 of 4 stars; one submission).

Conditions:
Werner syndrome (WRN). Identifiers: Orphanet 902, MedGen C0043119, MONDO:0010196, OMIM 277700.

Allele frequency attached by ClinVar (database versions not stated): gnomAD exomes below 0.00001 and 0.00001.
gnomAD v4.1: 9 of 1,613,860 alleles (0.00056%); highest among the groups gnomAD compares: South Asian, 0.0011%; no homozygotes.

Submission:

Labcorp Genetics (formerly Invitae), Labcorp
Classification: Pathogenic for Werner syndrome. Last evaluated: 2025-12-01. Review status: criteria provided, single submitter. Criteria: Invitae Variant Classification Sherloc (09022015). Collection method: clinical testing. Allele origin: germline.
Comment: This sequence change creates a premature translational stop signal (p.Gln1142*) in the WRN gene. It is expected to result in an absent or disrupted protein product. Loss-of-function variants in WRN are known to be pathogenic (PMID: 16673358). This variant is present in population databases (no rsID available, gnomAD 0.0009%). This variant has not been reported in the literature in individuals affected with WRN-related conditions. ClinVar contains an entry for this variant (Variation ID: 1449901). Algorithms developed to predict the effect of sequence changes on RNA splicing suggest that this variant may disrupt the consensus splice site. For these reasons, this variant has been classified as Pathogenic.

Literature cited by the submitters: PubMed 16673358.

NM_000553.6(WRN):c.3424C>T (p.Gln1142Ter)

Gene: WRN (WRN RecQ like helicase; plus strand). Cytogenetic location: 8p12.
Variant type: single nucleotide variant.
Coding change: c.3424C>T on transcript NM_000553.6 (MANE Select); coding-DNA position 3424, C replaced by T.
Protein change: p.Gln1142Ter; replaces glutamine 1142 with a stop codon.
Molecular consequence: nonsense.
Genome position (GRCh38, 1-based): chr8:31,147,093, C>T. VCF-style: chr8-31147093-C-T. GRCh37 (hg19) VCF-style: chr8-31004609-C-T.
Other names: short protein forms Q1142*.
Identifiers: ClinVar variation 1449901 (VCV001449901.6), dbSNP rs1454512341, ClinGen allele CA370925365.